The following is an entry in ClinVar:

NM_002397.5(MEF2C):c.49A>G (p.Arg17Gly)

Gene: MEF2C (myocyte enhancer factor 2C; minus strand). Cytogenetic location: 5q14.3.
Variant type: single nucleotide variant.
Coding change: c.49A>G on transcript NM_002397.5 (MANE Select); coding-DNA position 49, A replaced by G.
Protein change: p.Arg17Gly; replaces arginine 17 with glycine.
Molecular consequence: missense variant.
Genome position (GRCh38, 1-based): chr5:88,823,740, T>C on the plus strand (A>G on the coding strand, the complement: MEF2C is on the minus strand). VCF-style: chr5-88823740-T-C. GRCh37 (hg19) VCF-style: chr5-88119557-T-C.
Other names: c.49A>G, p.Arg17Gly (NM_001131005.2, NM_001193347.1, NM_001193348.1 and 29 more transcripts); short protein forms R17G.
Identifiers: ClinVar variation 4886739 (VCV004886739.2).

ClinVar aggregate classification (germline): Uncertain significance (1 of 4 stars; one submission).

Submission:

Dasa
Classification: Uncertain significance. Last evaluated: 2025-06-05. Review status: criteria provided, single submitter. Criteria: DASA Assertion Criteria. Collection method: clinical testing. Allele origin: germline.
Comment: NM_002397.5(MEF2C):c.49A>G (p.Arg17Gly) is a missense variant that results in the substitution of arginine with glycine. The affected residue or protein region has prior evidence supporting clinical relevance. This variant is absent from population databases. Computational prediction algorithms are consistent with a deleterious effect. The currently available literature and clinical evidence are not sufficient to establish a definitive association between this variant and the reported condition. Therefore, this variant is classified as a variant of uncertain significance.